The following is an entry in ClinVar:

ClinVar aggregate classification (germline): Conflicting classifications of pathogenicity. Review status: criteria provided, conflicting classifications (1 of 4 stars). 2 submissions from 2 submitters: Uncertain significance (1); Likely benign (1). Last evaluated 2023-03-23.

Conditions:
Hereditary cancer-predisposing syndrome. Also called: Hereditary neoplastic syndrome; Tumor predisposition; Neoplastic Syndromes, Hereditary; Hereditary Cancer Syndrome. Identifiers: Orphanet 140162, MedGen C0027672, MeSH D009386, MONDO:0015356.
Hereditary breast ovarian cancer syndrome. Also called: Hereditary breast and ovarian cancer; Hereditary breast and/or ovarian cancer syndrome; Breast and ovarian cancer; BRCA1- and BRCA2-Associated Hereditary Breast and Ovarian Cancer; Hereditary breast and ovarian cancer syndrome; Hereditary breast and ovarian cancer syndrome (HBOC). Identifiers: Orphanet 145, MedGen C0677776, MeSH D061325, MONDO:0003582. Disease mechanism: loss of function.

Submissions (2):

University of Washington Department of Laboratory Medicine, University of Washington
Classification: Likely benign for Hereditary cancer-predisposing syndrome. Last evaluated: 2023-03-23. Review status: criteria provided, single submitter. Criteria: Dines et al. (Genet Med. 2020). Collection method: curation. Allele origin: germline.
Comment: Missense variant in a coldspot region where missense variants are very unlikely to be pathogenic (PMID:31911673).

BRCA2 exon 11 coldspot. Reclassification based on statistical prior probability.

Labcorp Genetics (formerly Invitae), Labcorp
Classification: Uncertain significance for Hereditary breast ovarian cancer syndrome. Last evaluated: 2018-07-03. Review status: criteria provided, single submitter. Criteria: Invitae Variant Classification Sherloc (09022015). Collection method: clinical testing. Allele origin: germline.
Comment: This variant has not been reported in the literature in individuals with BRCA2-related disease. In summary, the available evidence is currently insufficient to determine the role of this variant in disease. Therefore, it has been classified as a Variant of Uncertain Significance. Algorithms developed to predict the effect of missense changes on protein structure and function are either unavailable or do not agree on the potential impact of this missense change (SIFT: "Tolerated"; PolyPhen-2: "Possibly Damaging"; Align-GVGD: "Class C0"). This variant is not present in population databases (ExAC no frequency). This sequence change replaces lysine with glutamine at codon 1636 of the BRCA2 protein (p.Lys1636Gln). The lysine residue is weakly conserved and there is a small physicochemical difference between lysine and glutamine.

NM_000059.4(BRCA2):c.4906A>C (p.Lys1636Gln)

Gene: BRCA2 (BRCA2 DNA repair associated; plus strand). Cytogenetic location: 13q13.1.
Variant type: single nucleotide variant.
Coding change: c.4906A>C on transcript NM_000059.4 (MANE Select); coding-DNA position 4906, A replaced by C.
Protein change: p.Lys1636Gln; replaces lysine 1636 with glutamine.
Molecular consequence: missense variant.
Genome position (GRCh38, 1-based): chr13:32,339,261, A>C. VCF-style: chr13-32339261-A-C. GRCh37 (hg19) VCF-style: chr13-32913398-A-C.
Other names: short protein forms K1636Q.
Identifiers: ClinVar variation 654971 (VCV000654971.10), dbSNP rs398122788, ClinGen allele CA387783572.